The following is an entry in ClinVar:

NM_001044385.3(TMEM237):c.439G>A (p.Val147Ile)

Gene: TMEM237 (transmembrane protein 237; minus strand). Cytogenetic location: 2q33.1.
Variant type: single nucleotide variant.
Coding change: c.439G>A on transcript NM_001044385.3 (MANE Select); coding-DNA position 439, G replaced by A.
Protein change: p.Val147Ile; replaces valine 147 with isoleucine.
Molecular consequence: missense variant.
Genome position (GRCh38, 1-based): chr2:201,632,165, C>T on the plus strand (G>A on the coding strand, the complement: TMEM237 is on the minus strand). VCF-style: chr2-201632165-C-T. GRCh37 (hg19) VCF-style: chr2-202496888-C-T.
Other names: c.415G>A, p.Val139Ile (NM_152388.4); c.439G>A (NM_001044385.1); short protein forms V147I, V139I.
Identifiers: ClinVar variation 286536 (VCV000286536.15), dbSNP rs200531617, ClinGen allele CA2056474.

ClinVar aggregate classification (germline): Conflicting classifications of pathogenicity. Review status: criteria provided, conflicting classifications (1 of 4 stars). 6 submissions from 6 submitters: Uncertain significance (5); Likely benign (1). Last evaluated 2024-06-12.

Conditions:
Inborn genetic diseases. Identifiers: MedGen C0950123, MeSH D030342.
Joubert syndrome 14 (JBTS14). Identifiers: MedGen C3280766, MONDO:0013745, OMIM 614424.

Allele frequency attached by ClinVar (database versions not stated): ESP Exome Variant Server 0.00008; gnomAD exomes 0.00018 and 0.00031; ExAC 0.00019; gnomAD 0.00025 and 0.00026; TOPMed 0.00032.
gnomAD v4.1: 480 of 1,613,784 alleles (0.03%); highest among the groups gnomAD compares: Non-Finnish European, 0.037%; no homozygotes.

Submissions (6):

Blueprint Genetics
Classification: Likely benign. Last evaluated: 2024-06-12. Review status: criteria provided, single submitter. Criteria: ACMG Guidelines, 2015. Collection method: clinical testing. Allele origin: germline.

Fulgent Genetics
Classification: Uncertain significance for Joubert syndrome 14. Last evaluated: 2024-06-12. Review status: criteria provided, single submitter. Criteria: ACMG Guidelines, 2015. Collection method: clinical testing. Allele origin: germline.

Labcorp Genetics (formerly Invitae), Labcorp
Classification: Uncertain significance for Joubert syndrome 14. Last evaluated: 2022-10-04. Review status: criteria provided, single submitter. Criteria: Invitae Variant Classification Sherloc (09022015). Collection method: clinical testing. Allele origin: germline.
Comment: This sequence change replaces valine, which is neutral and non-polar, with isoleucine, which is neutral and non-polar, at codon 147 of the TMEM237 protein (p.Val147Ile). This variant is present in population databases (rs200531617, gnomAD 0.03%). This variant has not been reported in the literature in individuals affected with TMEM237-related conditions. ClinVar contains an entry for this variant (Variation ID: 286536). Advanced modeling of protein sequence and biophysical properties (such as structural, functional, and spatial information, amino acid conservation, physicochemical variation, residue mobility, and thermodynamic stability) performed at Invitae indicates that this missense variant is not expected to disrupt TMEM237 protein function. In summary, the available evidence is currently insufficient to determine the role of this variant in disease. Therefore, it has been classified as a Variant of Uncertain Significance.

Ambry Genetics
Classification: Uncertain significance for Inborn genetic diseases. Last evaluated: 2021-08-30. Review status: criteria provided, single submitter. Criteria: Ambry Variant Classification Scheme 2023. Collection method: clinical testing. Allele origin: germline.

Illumina Laboratory Services, Illumina
Classification: Uncertain significance for Joubert syndrome 14. Last evaluated: 2018-01-12. Review status: criteria provided, single submitter. Criteria: ICSL Variant Classification Criteria 13 December 2019. Collection method: clinical testing. Allele origin: germline.

Eurofins Ntd Llc (ga)
Classification: Uncertain significance. Last evaluated: 2016-03-21. Review status: criteria provided, single submitter. Criteria: EGL Classification Definitions 2015. Collection method: clinical testing. Allele origin: germline. Observed: 1 variant allele, 1 heterozygote.